The following is an entry in ClinVar:

ClinVar aggregate classification (germline): Uncertain significance (1 of 4 stars; one submission).

Conditions:
Inborn genetic diseases. Identifiers: MedGen C0950123, MeSH D030342.

gnomAD v4.1: 18 of 1,614,220 alleles (0.0011%); highest among the groups gnomAD compares: Non-Finnish European, 0.0015%; no homozygotes.

Submission:

Ambry Genetics
Classification: Uncertain significance for Inborn genetic diseases. Last evaluated: 2025-11-07. Review status: criteria provided, single submitter. Criteria: Ambry Variant Classification Scheme 2023. Collection method: clinical testing. Allele origin: germline.
Comment: The c.5744T>A (p.I1915N) alteration is located in exon 40 (coding exon 40) of the SNRNP200 gene. This alteration results from a T to A substitution at nucleotide position 5744, causing the isoleucine (I) at amino acid position 1915 to be replaced by an asparagine (N). Based on data from gnomAD, the A allele has an overall frequency of <0.001% (1/251490) total alleles studied. The highest observed frequency was 0.001% (1/113766) of European (non-Finnish) alleles. Based on insufficient or conflicting evidence, the clinical significance of this alteration remains unclear.

NM_014014.5(SNRNP200):c.5744T>A (p.Ile1915Asn)

Gene: SNRNP200 (small nuclear ribonucleoprotein U5 subunit 200; minus strand). Cytogenetic location: 2q11.2.
Variant type: single nucleotide variant.
Coding change: c.5744T>A on transcript NM_014014.5 (MANE Select); coding-DNA position 5744, T replaced by A.
Protein change: p.Ile1915Asn; replaces isoleucine 1915 with asparagine.
Molecular consequence: missense variant.
Genome position (GRCh38, 1-based): chr2:96,277,817, A>T on the plus strand (T>A on the coding strand, the complement: SNRNP200 is on the minus strand). VCF-style: chr2-96277817-A-T. GRCh37 (hg19) VCF-style: chr2-96943555-A-T.
Other names: short protein forms I1915N.
Identifiers: ClinVar variation 4631814 (VCV004631814.1).